The following is an entry in ClinVar:

ClinVar aggregate classification (germline): Uncertain significance (1 of 4 stars; one submission).

Conditions:
X-linked myopathy with postural muscle atrophy. Also called: FHL1-Related Emery-Dreifuss Muscular Dystrophy, X-Linked. Identifiers: Orphanet 178461, MedGen C2678055, MONDO:0010401, OMIM 300696.

Allele frequency attached by ClinVar (database versions not stated): ExAC 0.00001; TOPMed 0.00001; gnomAD exomes 0.00002.
gnomAD v4.1: 5 of 1,211,754 alleles (0.00041%); highest among the groups gnomAD compares: Admixed American, 0.011%; no homozygotes.

Submission:

Labcorp Genetics (formerly Invitae), Labcorp
Classification: Uncertain significance for X-linked myopathy with postural muscle atrophy. Last evaluated: 2022-09-28. Review status: criteria provided, single submitter. Criteria: Invitae Variant Classification Sherloc (09022015). Collection method: clinical testing. Allele origin: germline.
Comment: This sequence change replaces threonine, which is neutral and polar, with asparagine, which is neutral and polar, at codon 79 of the FHL1 protein (p.Thr79Asn). This variant is present in population databases (rs764567944, gnomAD 0.02%). This variant has not been reported in the literature in individuals affected with FHL1-related conditions. ClinVar contains an entry for this variant (Variation ID: 659750). Algorithms developed to predict the effect of missense changes on protein structure and function are either unavailable or do not agree on the potential impact of this missense change (SIFT: "Tolerated"; PolyPhen-2: "Possibly Damaging"; Align-GVGD: "Class C0"). In summary, the available evidence is currently insufficient to determine the role of this variant in disease. Therefore, it has been classified as a Variant of Uncertain Significance.

NM_001159699.2(FHL1):c.284C>A (p.Thr95Asn)

Gene: FHL1 (four and a half LIM domains 1; plus strand). Cytogenetic location: Xq26.3.
Variant type: single nucleotide variant.
Coding change: c.284C>A on transcript NM_001159699.2 (MANE Select); coding-DNA position 284, C replaced by A.
Protein change: p.Thr95Asn; replaces threonine 95 with asparagine.
Molecular consequence: missense variant. On other transcripts: non-coding transcript variant (1).
Genome position (GRCh38, 1-based): chrX:136,207,095, C>A. VCF-style: chrX-136207095-C-A. GRCh37 (hg19) VCF-style: chrX-135289254-C-A.
Other names: c.236C>A, p.Thr79Asn (NM_001159700.2, NM_001159702.3, NM_001159703.2 and 9 more transcripts); c.323C>A, p.Thr108Asn (NM_001159701.2); c.284C>A, p.Thr95Asn (NM_001330659.2); short protein forms T108N, T95N, T79N.
Identifiers: ClinVar variation 659750 (VCV000659750.8), dbSNP rs764567944, ClinGen allele CA10524976.